The following is an entry in ClinVar:

ClinVar aggregate classification (germline): Uncertain significance (1 of 4 stars; one submission).

gnomAD v4.1: 6 of 1,595,016 alleles (0.00038%); highest among the groups gnomAD compares: Middle Eastern, 0.05%; no homozygotes.

Submission:

Labcorp Genetics (formerly Invitae), Labcorp
Classification: Uncertain significance. Last evaluated: 2024-09-20. Review status: criteria provided, single submitter. Criteria: Invitae Variant Classification Sherloc (09022015). Collection method: clinical testing. Allele origin: germline.
Comment: This sequence change replaces glutamic acid, which is acidic and polar, with valine, which is neutral and non-polar, at codon 26 of the DSTYK protein (p.Glu26Val). This variant is present in population databases (no rsID available, gnomAD 0.001%). This variant has not been reported in the literature in individuals affected with DSTYK-related conditions. ClinVar contains an entry for this variant (Variation ID: 2106789). An algorithm developed to predict the effect of missense changes on protein structure and function (PolyPhen-2) suggests that this variant is likely to be tolerated. In summary, the available evidence is currently insufficient to determine the role of this variant in disease. Therefore, it has been classified as a Variant of Uncertain Significance.

NM_015375.3(DSTYK):c.77A>T (p.Glu26Val)

Gene: DSTYK (dual serine/threonine and tyrosine protein kinase; minus strand). Cytogenetic location: 1q32.1.
Variant type: single nucleotide variant.
Coding change: c.77A>T on transcript NM_015375.3 (MANE Select); coding-DNA position 77, A replaced by T.
Protein change: p.Glu26Val; replaces glutamic acid 26 with valine.
Molecular consequence: missense variant.
Genome position (GRCh38, 1-based): chr1:205,211,459, T>A on the plus strand (A>T on the coding strand, the complement: DSTYK is on the minus strand). VCF-style: chr1-205211459-T-A. GRCh37 (hg19) VCF-style: chr1-205180587-T-A.
Other names: c.77A>T, p.Glu26Val (NM_199462.3); short protein forms E26V.
Identifiers: ClinVar variation 2106789 (VCV002106789.4), dbSNP rs1323512302, ClinGen allele CA344403807.